The following is an entry in ClinVar:

NM_018418.5(SPATA7):c.296_297del (p.Glu99fs)

Gene: SPATA7 (spermatogenesis associated 7; plus strand). Cytogenetic location: 14q31.3.
Variant type: Microsatellite.
Coding change: c.296_297del on transcript NM_018418.5 (MANE Select); coding-DNA positions 296 to 297, 2 bases deleted (AG; older notation c.296_297delAG).
Protein change: p.Glu99fs; shifts the reading frame from glutamic acid 99.
Molecular consequence: frameshift variant.
Genome position (GRCh38, 1-based): chr14:88,416,768-88,416,769, AG deleted; deleting any 2 consecutive bases within chr14:88,416,766-88,416,769 gives the same sequence; the c. name uses the placement nearest the transcript's 3' end. VCF-style (leftmost placement, unchanged base first): chr14-88416765-AAG-A. GRCh37 (hg19) VCF-style: chr14-88883109-AAG-A.
Other names: c.200_201del, p.Glu67fs (NM_001040428.4); c.296_297del (NM_018418.4); short protein forms E67fs, E99fs.
Identifiers: ClinVar variation 3759255 (VCV003759255.3).

ClinVar aggregate classification (germline): Pathogenic. Review status: criteria provided, multiple submitters, no conflicts (2 of 4 stars). 2 submissions from 2 submitters: Pathogenic (2). Last evaluated 2025-03-26.

Conditions:
Leber congenital amaurosis 3 (LCA3). Also called: SPATA7-Related Retinitis Pigmentosa. Identifiers: MedGen C1858677, MONDO:0011415, OMIM 604232.

Submissions (2):

GeneDx
Classification: Pathogenic. Last evaluated: 2025-03-26. Review status: criteria provided, single submitter. Criteria: GeneDx Variant Classification Process June 2021. Collection method: clinical testing. Allele origin: germline. Affected: yes.
Comment: Not observed at significant frequency in large population cohorts (gnomAD); Frameshift variant predicted to result in protein truncation or nonsense mediated decay in a gene for which loss of function is a known mechanism of disease; This variant is associated with the following publications: (PMID: 27848944)

Labcorp Genetics (formerly Invitae), Labcorp
Classification: Pathogenic for Leber congenital amaurosis 3. Last evaluated: 2025-01-20. Review status: criteria provided, single submitter. Criteria: Invitae Variant Classification Sherloc (09022015). Collection method: clinical testing. Allele origin: germline.
Comment: This sequence change creates a premature translational stop signal (p.Glu99Valfs*5) in the SPATA7 gene. It is expected to result in an absent or disrupted protein product. Loss-of-function variants in SPATA7 are known to be pathogenic (PMID: 19268277, 22334370, 23847139, 26047050, 26261414). This variant is not present in population databases (gnomAD no frequency). This premature translational stop signal has been observed in individual(s) with SPATA7-related conditions (PMID: 27848944). For these reasons, this variant has been classified as Pathogenic.

Literature cited by the submitters: PubMed 19268277 (cited by Labcorp Genetics (formerly Invitae), Labcorp); PubMed 22334370 (cited by Labcorp Genetics (formerly Invitae), Labcorp); PubMed 23847139 (cited by Labcorp Genetics (formerly Invitae), Labcorp); PubMed 26047050 (cited by Labcorp Genetics (formerly Invitae), Labcorp); PubMed 26261414 (cited by Labcorp Genetics (formerly Invitae), Labcorp); PubMed 27848944 (cited by Labcorp Genetics (formerly Invitae), Labcorp).